The following is an entry in ClinVar:

NM_000322.5(PRPH2):c.749G>A (p.Cys250Tyr)

Gene: PRPH2 (peripherin 2; minus strand). Cytogenetic location: 6p21.1.
Variant type: single nucleotide variant.
Coding change: c.749G>A on transcript NM_000322.5 (MANE Select); coding-DNA position 749, G replaced by A.
Protein change: p.Cys250Tyr; replaces cysteine 250 with tyrosine.
Molecular consequence: missense variant.
Genome position (GRCh38, 1-based): chr6:42,704,444, C>T on the plus strand (G>A on the coding strand, the complement: PRPH2 is on the minus strand). VCF-style: chr6-42704444-C-T. GRCh37 (hg19) VCF-style: chr6-42672182-C-T.
Other names: short protein forms C250Y.
Identifiers: ClinVar variation 1175298 (VCV001175298.3), dbSNP rs1458793437, ClinGen allele CA364134980.
Genomic context (GRCh38, chr6:42,704,444, plus strand): 5'-AGCGTGACGACACCCATGGAGTTCATGAGGCTGCTGTAGTAGCTCAGCAGGGCAGCCCTG[C>T]AGCCACGCACCCACAGGTTGAGCTCCTCCGTCTGGTGGTCGTAACTGTAGTGTGCTGAGT-3'
Protein context (NP_000313.2, residues 240-260): TEELNLWVRG[Cys250Tyr]RAALLSYYSS

ClinVar aggregate classification (germline): Pathogenic. Review status: criteria provided, single submitter (1 of 4 stars). 3 submissions from 3 submitters: Pathogenic (1). 2 of the submissions do not count toward it. Last evaluated 2018-01-01.

Conditions:
Patterned macular dystrophy 1. Also called: BUTTERFLY DYSTROPHY OF RETINAL PIGMENT EPITHELIUM; MACULAR DYSTROPHY, BUTTERFLY-SHAPED PIGMENTARY. Identifiers: Orphanet 99001, MedGen C4551999, MONDO:0008210, OMIM 169150.
Retinal dystrophy. Also called: Inherited retinal dystrophy. Identifiers: Orphanet 71862, MedGen C0854723, MeSH D058499, MONDO:0019118, HP:0000556.

Submissions (3):

Institute of Human Genetics, Univ. Regensburg, Univ. Regensburg
Classification: Pathogenic for Retinal dystrophy. Last evaluated: 2018-01-01. Review status: criteria provided, single submitter. Criteria: ACMG Guidelines, 2015. Collection method: clinical testing. Allele origin: germline. Affected: yes.

Ophthalmo-Genetics Lab, Instituto de Oftalmologia Conde de Valenciana
Classification: Likely pathogenic for Patterned macular dystrophy 1. Last evaluated: 2022-04-21. Review status: no assertion criteria provided. Collection method: research. Allele origin: de novo. Inheritance: Autosomal dominant inheritance. Affected: yes. Observed: 1 heterozygote. Not counted in ClinVar's aggregate classification.
Comment: MACULAR DISEASE

Leiden Open Variation Database
Classification: Likely pathogenic. Last evaluated: 2021-04-06. Review status: no assertion criteria provided. Collection method: curation. Allele origin: germline. Affected: yes. Not counted in ClinVar's aggregate classification.
Comment: Curator: Global Variome, with Curator vacancy. Submitters to LOVD: LOVD, Manon Peeters.

Literature cited by the submitters: PubMed 29555955 (cited by Institute of Human Genetics, Univ. Regensburg, Univ. Regensburg and Leiden Open Variation Database); PubMed 34411390 (cited by Institute of Human Genetics, Univ. Regensburg, Univ. Regensburg); PubMed 34906036 (cited by Ophthalmo-Genetics Lab, Instituto de Oftalmologia Conde de Valenciana).